The following is an entry in ClinVar:

ClinVar aggregate classification (germline): Uncertain significance. Review status: criteria provided, multiple submitters, no conflicts (2 of 4 stars). 2 submissions from 2 submitters: Uncertain significance (2). Last evaluated 2020-07-30.

Conditions:
Inborn genetic diseases. Identifiers: MedGen C0950123, MeSH D030342.
Intellectual developmental disorder, X-linked, syndromic, Siderius type. Also called: Syndromic X-linked intellectual disability Siderius type. Identifiers: Orphanet 85287, MedGen C1846055, MONDO:0010286, OMIM 300263.

Allele frequency attached by ClinVar (database versions not stated): TOPMed 0.00002; gnomAD exomes below 0.00001; gnomAD 0.00002.
gnomAD v4.1: 6 of 1,207,728 alleles (0.0005%); highest among the groups gnomAD compares: Non-Finnish European, 0.00067%; no homozygotes.

Submissions (2):

Genomic Medicine Lab, University of California San Francisco
Classification: Uncertain significance for Intellectual developmental disorder, X-linked, syndromic, Siderius type. Last evaluated: 2020-07-30. Review status: criteria provided, single submitter. Criteria: ACMG Guidelines, 2015. Collection method: clinical testing. Allele origin: maternal. Inheritance: X-linked inheritance. Affected: yes. Study: CSER-P3EGS.

Ambry Genetics
Classification: Uncertain significance for Inborn genetic diseases. Last evaluated: 2016-12-21. Review status: criteria provided, single submitter. Criteria: Ambry Variant Classification Scheme 2023. Collection method: clinical testing. Allele origin: germline.
Comment: The p.L949F variant (also known as c.2845C>T), located in coding exon 20 of the PHF8 gene, results from a C to T substitution at nucleotide position 2845. The leucine at codon 949 is replaced by phenylalanine, an amino acid with highly similar properties. This amino acid position is highly conserved in available vertebrate species. In addition, this alteration is predicted to be tolerated by in silico analysis. Since supporting evidence is limited at this time, the clinical significance of this variant remains unclear.

NM_015107.3(PHF8):c.2845C>T (p.Leu949Phe)

Gene: PHF8 (PHD finger protein 8; minus strand). Cytogenetic location: Xp11.22.
Variant type: single nucleotide variant.
Coding change: c.2845C>T on transcript NM_015107.3 (MANE Select); coding-DNA position 2845, C replaced by T.
Protein change: p.Leu949Phe; replaces leucine 949 with phenylalanine.
Molecular consequence: missense variant.
Genome position (GRCh38, 1-based): chrX:53,940,321, G>A on the plus strand (C>T on the coding strand, the complement: PHF8 is on the minus strand). VCF-style: chrX-53940321-G-A. GRCh37 (hg19) VCF-style: chrX-53966754-G-A.
Other names: c.2953C>T, p.Leu985Phe (NM_001184896.1); c.2542C>T, p.Leu848Phe (NM_001184897.2); short protein forms L949F, L848F, L985F.
Identifiers: ClinVar variation 588564 (VCV000588564.7), dbSNP rs1342892989, ClinGen allele CA413240915.